The following is an entry in ClinVar:

NM_007129.4(ZIC2):c.177_178ins56

Gene: ZIC2 (Zic family member 2; plus strand). Cytogenetic location: 13q32.3.
Variant type: Insertion.
Coding change: c.177_178ins56 on transcript NM_007129.4; coding-DNA positions 177 to 178, an insertion.
Other names: 56 bp ins 60.
Identifiers: ClinVar variation 6637 (VCV000006637.3).

ClinVar aggregate classification (germline): Pathogenic. Review status: no assertion criteria provided (0 of 4 stars). 2 submissions from 2 submitters: Pathogenic (2). Last evaluated 2013-08-29.

Conditions:
Holoprosencephaly 5 (HPE5). Identifiers: Orphanet 2162, MedGen C1864827, MONDO:0012322, OMIM 609637.

Submissions (2):

GeneReviews
Classification: Pathogenic for Holoprosencephaly. Last evaluated: 2013-08-29. Review status: no assertion criteria provided. Collection method: curation. Allele origin: unknown.
ClinVar note: Converted during submission from pathologic to Pathogenic.

OMIM
Classification: Pathogenic for HOLOPROSENCEPHALY 5. Last evaluated: 1998-10-01. Review status: no assertion criteria provided. Collection method: literature only. Allele origin: germline.

Literature cited by the submitters: PubMed 9771712 (cited by OMIM).